The following is an entry in ClinVar:

ClinVar aggregate classification (germline): Uncertain significance (1 of 4 stars; one submission).

Conditions:
Immunodeficiency 51 (IMD51). Also called: CANDIDIASIS, FAMILIAL, 5. Identifiers: Orphanet 1334, MedGen C4310803, MONDO:0013500, OMIM 613953.

gnomAD v4.1: 1 of 1,533,088 alleles (0.000065%); highest among the groups gnomAD compares: Non-Finnish European, 0.000087%; no homozygotes.

Submission:

Labcorp Genetics (formerly Invitae), Labcorp
Classification: Uncertain significance for Immunodeficiency 51. Last evaluated: 2022-04-21. Review status: criteria provided, single submitter. Criteria: Invitae Variant Classification Sherloc (09022015). Collection method: clinical testing. Allele origin: germline.
Comment: In summary, the available evidence is currently insufficient to determine the role of this variant in disease. Therefore, it has been classified as a Variant of Uncertain Significance. Algorithms developed to predict the effect of missense changes on protein structure and function output the following: SIFT: "Tolerated"; PolyPhen-2: "Benign"; Align-GVGD: "Class C0". The methionine amino acid residue is found in multiple mammalian species, which suggests that this missense change does not adversely affect protein function. This variant has not been reported in the literature in individuals affected with IL17RA-related conditions. This variant is present in population databases (no rsID available, gnomAD 0.002%). This sequence change replaces valine, which is neutral and non-polar, with methionine, which is neutral and non-polar, at codon 647 of the IL17RA protein (p.Val647Met).

NM_014339.7(IL17RA):c.1939G>A (p.Val647Met)

Gene: IL17RA (interleukin 17 receptor A; plus strand). Cytogenetic location: 22q11.1.
Variant type: single nucleotide variant.
Coding change: c.1939G>A on transcript NM_014339.7 (MANE Select); coding-DNA position 1939, G replaced by A.
Protein change: p.Val647Met; replaces valine 647 with methionine.
Molecular consequence: missense variant.
Genome position (GRCh38, 1-based): chr22:17,109,158, G>A. VCF-style: chr22-17109158-G-A. GRCh37 (hg19) VCF-style: chr22-17590048-G-A.
Other names: c.1837G>A, p.Val613Met (NM_001289905.2); short protein forms V613M, V647M.
Identifiers: ClinVar variation 2128855 (VCV002128855.4), dbSNP rs1196585604, ClinGen allele CA410219594.